The following is an entry in ClinVar:

NM_020937.4(FANCM):c.5030A>G (p.Glu1677Gly)

Gene: FANCM (FA complementation group M; plus strand). Cytogenetic location: 14q21.2.
Variant type: single nucleotide variant.
Coding change: c.5030A>G on transcript NM_020937.4 (MANE Select); coding-DNA position 5030, A replaced by G.
Protein change: p.Glu1677Gly; replaces glutamic acid 1677 with glycine.
Molecular consequence: missense variant.
Genome position (GRCh38, 1-based): chr14:45,189,052, A>G. VCF-style: chr14-45189052-A-G. GRCh37 (hg19) VCF-style: chr14-45658255-A-G.
Other names: c.4952A>G, p.Glu1651Gly (NM_001308133.2); short protein forms E1677G, E1651G.
Identifiers: ClinVar variation 3848753 (VCV003848753.1).

ClinVar aggregate classification (germline): Uncertain significance (1 of 4 stars; one submission).

Conditions:
Inborn genetic diseases. Identifiers: MedGen C0950123, MeSH D030342.

Submission:

Ambry Genetics
Classification: Uncertain significance for Inborn genetic diseases. Last evaluated: 2025-02-21. Review status: criteria provided, single submitter. Criteria: Ambry Variant Classification Scheme 2023. Collection method: clinical testing. Allele origin: germline.
Comment: The p.E1677G variant (also known as c.5030A>G), located in coding exon 20 of the FANCM gene, results from an A to G substitution at nucleotide position 5030. The glutamic acid at codon 1677 is replaced by glycine, an amino acid with similar properties. This amino acid position is conserved. In addition, this alteration is predicted to be tolerated by in silico analysis. Based on the available evidence, the clinical significance of this variant remains unclear.